The following is an entry in ClinVar:

ClinVar aggregate classification (germline): Pathogenic (1 of 4 stars; one submission).

Submission:

Labcorp Genetics (formerly Invitae), Labcorp
Classification: Pathogenic. Last evaluated: 2021-08-17. Review status: criteria provided, single submitter. Criteria: Invitae Variant Classification Sherloc (09022015). Collection method: clinical testing. Allele origin: germline.
Comment: For these reasons, this variant has been classified as Pathogenic. This premature translational stop signal has been observed in individual(s) with Sotos syndrome (Invitae). This variant is not present in population databases (ExAC no frequency). This sequence change creates a premature translational stop signal (p.Gly722Leufs*6) in the NSD1 gene. It is expected to result in an absent or disrupted protein product. Loss-of-function variants in NSD1 are known to be pathogenic (PMID: 12464997, 14571271, 15942875, 16247291).

Literature cited by the submitters: PubMed 12464997; PubMed 14571271; PubMed 15942875; PubMed 16247291.

NM_022455.5(NSD1):c.2163_2181del (p.Gly722fs)

Gene: NSD1 (nuclear receptor binding SET domain protein 1; plus strand). Cytogenetic location: 5q35.3.
Variant type: Deletion.
Coding change: c.2163_2181del on transcript NM_022455.5 (MANE Select); coding-DNA positions 2163 to 2181, 19 bases deleted (TGGAACCGAGACGTCTCAG).
Protein change: p.Gly722fs; shifts the reading frame from glycine 722.
Molecular consequence: frameshift variant.
Genome position (GRCh38, 1-based): chr5:177,210,562-177,210,580, TGGAACCGAGACGTCTCAG deleted. VCF-style (leftmost placement, unchanged base first): chr5-177210561-CTGGAACCGAGACGTCTCAG-C. GRCh37 (hg19) VCF-style: chr5-176637562-CTGGAACCGAGACGTCTCAG-C.
Other names: c.1290_1308del19, p.Gly431Leufs (NM_001365684.2, NM_001409306.1, NM_001409307.1 and 3 more transcripts); c.2163_2181del19, p.Gly722Leufs (NM_001409301.1, NM_001409302.1, NM_001409303.1); c.1743_1761del19, p.Gly582Leufs (NM_001409304.1); c.1410_1428del19, p.Gly471Leufs (NM_001409305.1); short protein forms G453fs, G722fs.
Identifiers: ClinVar variation 1366561 (VCV001366561.6), dbSNP rs2149844773, ClinGen allele CA2573139457.
Genomic context (GRCh38, chr5:177,210,561, plus strand): 5'-AGCCTCTCATTAGTAACTCACATACAGACCACTTAATGGGTTGTACTAAGAGTGCAGAGC[CTGGAACCGAGACGTCTCAG>C]GTTAATCTCTCTGATCTGAAGGCATCTACTCTTGTTCACAAACCCCAGTCAGATTTTACA-3'